The following is an entry in ClinVar:

NM_001371279.1(REEP1):c.*2784G>A

Gene: REEP1 (receptor accessory protein 1; minus strand). Cytogenetic location: 2p11.2.
Variant type: single nucleotide variant.
Coding change: c.*2784G>A on transcript NM_001371279.1 (MANE Select); 2784 bases downstream of the stop codon, G replaced by A.
Molecular consequence: 3 prime UTR variant.
Genome position (GRCh38, 1-based): chr2:86,214,255, C>T on the plus strand (G>A on the coding strand, the complement: REEP1 is on the minus strand). VCF-style: chr2-86214255-C-T. GRCh37 (hg19) VCF-style: chr2-86441378-C-T.
Other names: c.*2845G>A (NM_001164730.2, NM_001164731.2, NM_022912.3); c.*2784G>A (NM_001164732.2, NM_001371280.1).
Identifiers: ClinVar variation 897275 (VCV000897275.4), dbSNP rs567893414, ClinGen allele CA51355270.

ClinVar aggregate classification (germline): Benign (1 of 4 stars; one submission).

Conditions:
Hereditary spastic paraplegia 31. Also called: SPASTIC PARAPLEGIA 31, AUTOSOMAL DOMINANT. Identifiers: Orphanet 101011, MedGen C1853247, MONDO:0012453, OMIM 610250.

Allele frequency attached by ClinVar (database versions not stated): 1000 Genomes Project 30x 0.00125; 1000 Genomes Project 0.00140; gnomAD 0.00194 and 0.00218; TOPMed 0.00197.

Submission:

Illumina Laboratory Services, Illumina
Classification: Benign for Hereditary spastic paraplegia 31. Last evaluated: 2018-01-13. Review status: criteria provided, single submitter. Criteria: ICSL Variant Classification Criteria 13 December 2019. Collection method: clinical testing. Allele origin: germline.
Comment: This variant was observed in the ICSL laboratory as part of a predisposition screen in an ostensibly healthy population. It had not been previously curated by ICSL or reported in the Human Gene Mutation Database (HGMD: prior to June 1st, 2018), and was therefore a candidate for classification through an automated scoring system. Utilizing variant allele frequency, disease prevalence and penetrance estimates, and inheritance mode, an automated score was calculated to assess if this variant is too frequent to cause the disease. Based on the score and internal cut-off values, a variant classified as benign is not then subjected to further curation. The score for this variant resulted in a classification of benign for this disease.